The following is an entry in ClinVar:

NM_000032.5(ALAS2):c.-15-2187T>C

Genes: PAGE2B (PAGE family member 2B; plus strand), ALAS2 (5'-aminolevulinate synthase 2; minus strand), LOC108663984 (ALAS2 intron 1 and 3 erythroid regulatory elements; plus strand). Cytogenetic location: Xp11.21.
Variant type: single nucleotide variant.
Coding change: c.-15-2187T>C on transcript NM_000032.5 (MANE Select); 2187 bases into the intron before 15 bases upstream of the start codon, T replaced by C.
Molecular consequence: intron variant.
Genome position (GRCh38, 1-based): chrX:55,028,202, A>G on the plus strand (T>C on the coding strand, the complement: ALAS2 is on the minus strand). VCF-style: chrX-55028202-A-G. GRCh37 (hg19) VCF-style: chrX-55054635-A-G.
Other names: c.-15-2187T>C (NM_001037967.4); c.-50-345T>C (NM_001037968.4).
Identifiers: ClinVar variation 3377333 (VCV003377333.2).

ClinVar aggregate classification (germline): Pathogenic. Review status: criteria provided, multiple submitters, no conflicts (2 of 4 stars). 2 submissions from 2 submitters: Pathogenic (2). Last evaluated 2025-12-16.

Conditions:
X-linked sideroblastic anemia 1. Also called: Erythroid 5-aminolevulinate synthase deficiency; X chromosome-linked sideroblastic anemia; X-linked pyridoxine-refractory sideroblastic anemia; Anemia, sideroblastic, 1; Anemia, hereditary sideroblastic 1, pyridoxine refractory; ANEMIA, SIDEROBLASTIC, 1, PYRIDOXINE REFRACTORY. Identifiers: Orphanet 75563, MedGen C4551511, MONDO:0020721, OMIM 300751. Disease mechanism: loss of function.

Submissions (2):

Labcorp Genetics (formerly Invitae), Labcorp
Classification: Pathogenic. Last evaluated: 2025-12-16. Review status: criteria provided, single submitter. Criteria: Invitae Variant Classification Sherloc (09022015). Collection method: clinical testing. Allele origin: germline.
Comment: This variant occurs in a non-coding region of the ALAS2 gene. It does not change the encoded amino acid sequence of the ALAS2 protein. The frequency data for this variant in the population databases is considered unreliable, as metrics indicate insufficient coverage at this position in the gnomAD database. This variant has been observed in individuals with congenital sideroblastic anemia (PMID: 23935018, 24166784, 28123038). It has also been observed to segregate with disease in related individuals. This variant is also known as g.7863T>C. ClinVar contains an entry for this variant (Variation ID: 3377333). Studies have shown that this variant alters ALAS2 gene expression (PMID: 24166784, 28123038). Algorithms developed to predict the effect of sequence changes on RNA splicing suggest that this variant is not likely to affect RNA splicing. For these reasons, this variant has been classified as Pathogenic.

Victorian Clinical Genetics Services, Murdoch Childrens Research Institute
Classification: Pathogenic for X-linked sideroblastic anemia 1. Last evaluated: 2024-10-08. Review status: criteria provided, single submitter. Criteria: ACMG Guidelines, 2015. Collection method: clinical testing. Allele origin: germline. Inheritance: X-linked recessive inheritance. Affected: yes.
Comment: Based on the classification scheme VCGS_Germline_v1.3.4, this variant is classified as Pathogenic. Following criteria are met: 0103 - Loss of function and gain of function are known mechanisms of disease in this gene and are associated with sideroblastic anaemia 1 (MIM#300751; PMID: 34781359) and erythropoietic protoporphyria (MIM#300752; PMID: 23263862), respectively. (I) 0108 - This gene is associated with both X-linked recessive and dominant disease (OMIM). (I) 0115 - Variants in this gene are known to have variable expressivity. Variable severity has been reported for sideroblastic anaemia (OMIM). (I) 0217 - Non-coding variant with known effect. Analysis of patients' samples demonstrated both a reduction in mRNA by RT-qPCR and protein levels by western blotting (PMIDs: 24166784, 28123038) . (SP) 0253 - This variant is hemizygous. (I) 0301 - Variant is absent from gnomAD (both v2 and v3). (SP) 0601 - Variant is located in the well-established functional GATA motif within the promoter region. Deletion of this motif led to a reduction in GATA1 binding and subsequent ALAS2 protein expression (PMID: 28123038). (SP) 0801 - This variant has strong previous evidence of pathogenicity in unrelated individuals. It has been identified in at least six families with hemizygous males affected with congenital sideroblastic anaemia (PMID: 23935018, 24166784, 28123038). (SP) 1102 - Strong phenotype match for this individual. (SP) 1208 - Inheritance information for this variant is not currently available in this individual. (I) Legend: (SP) - Supporting pathogenic, (I) - Information, (SB) - Supporting benign

Literature cited by the submitters: PubMed 23935018 (cited by Labcorp Genetics (formerly Invitae), Labcorp and Victorian Clinical Genetics Services, Murdoch Childrens Research Institute); PubMed 24166784 (cited by Labcorp Genetics (formerly Invitae), Labcorp and Victorian Clinical Genetics Services, Murdoch Childrens Research Institute); PubMed 28123038 (cited by Labcorp Genetics (formerly Invitae), Labcorp and Victorian Clinical Genetics Services, Murdoch Childrens Research Institute); PubMed 23263862 (cited by Victorian Clinical Genetics Services, Murdoch Childrens Research Institute); PubMed 34781359 (cited by Victorian Clinical Genetics Services, Murdoch Childrens Research Institute).